The following is an entry in ClinVar:

ClinVar aggregate classification (germline): Uncertain significance (1 of 4 stars; one submission).

Conditions:
Charcot-Marie-Tooth disease type 4. Also called: Charcot-Marie-Tooth disease, type IV; Charcot-Marie-Tooth, Type 4. Identifiers: Orphanet 64749, MedGen C4082197, MONDO:0018995.

Allele frequency attached by ClinVar (database versions not stated): gnomAD exomes below 0.00001.
gnomAD v4.1: 1 of 1,614,134 alleles (0.000062%); highest among the groups gnomAD compares: Non-Finnish European, 0.000085%; no homozygotes.

Submission:

Labcorp Genetics (formerly Invitae), Labcorp
Classification: Uncertain significance for Charcot-Marie-Tooth disease type 4. Last evaluated: 2023-09-10. Review status: criteria provided, single submitter. Criteria: Invitae Variant Classification Sherloc (09022015). Collection method: clinical testing. Allele origin: germline.
Comment: This variant has not been reported in the literature in individuals affected with SH3TC2-related conditions. In summary, the available evidence is currently insufficient to determine the role of this variant in disease. Therefore, it has been classified as a Variant of Uncertain Significance. Variants that disrupt the consensus splice site are a relatively common cause of aberrant splicing (PMID: 17576681, 9536098). Algorithms developed to predict the effect of sequence changes on RNA splicing suggest that this variant is not likely to affect RNA splicing. This variant is present in population databases (no rsID available, gnomAD 0.0009%). This sequence change falls in intron 9 of the SH3TC2 gene. It does not directly change the encoded amino acid sequence of the SH3TC2 protein. It affects a nucleotide within the consensus splice site.

Literature cited by the submitters: PubMed 17576681; PubMed 9536098.

NM_024577.4(SH3TC2):c.1135+3G>A

Gene: SH3TC2 (SH3 domain and tetratricopeptide repeats 2; minus strand). Cytogenetic location: 5q32.
Variant type: single nucleotide variant.
Coding change: c.1135+3G>A on transcript NM_024577.4 (MANE Select); 3 bases into the intron after coding-DNA position 1135, G replaced by A.
Molecular consequence: intron variant.
Genome position (GRCh38, 1-based): chr5:149,031,551, C>T on the plus strand (G>A on the coding strand, the complement: SH3TC2 is on the minus strand). VCF-style: chr5-149031551-C-T. GRCh37 (hg19) VCF-style: chr5-148411114-C-T.
Identifiers: ClinVar variation 2890732 (VCV002890732.3), dbSNP rs1064793267, ClinGen allele CA563533553.
Genomic context (GRCh38, chr5:149,031,551, plus strand): 5'-AGGGACACTATCTTATTCTTGAGGACCCCAGGCTTTTGAAGGTGTCTGAGGACCAACACT[C>T]ACTGAGCCGGTAGACAGATGTGATGTCAGTGCGAGCAAGAGTGTGGAGGAAGCTGGAACA-3'